The following is an entry in ClinVar:

NM_025009.5(CEP135):c.2505+3A>G

Gene: CEP135 (centrosomal protein 135; plus strand). Cytogenetic location: 4q12.
Variant type: single nucleotide variant.
Coding change: c.2505+3A>G on transcript NM_025009.5 (MANE Select); 3 bases into the intron after coding-DNA position 2505, A replaced by G.
Molecular consequence: intron variant.
Genome position (GRCh38, 1-based): chr4:56,009,906, A>G. VCF-style: chr4-56009906-A-G. GRCh37 (hg19) VCF-style: chr4-56876072-A-G.
Identifiers: ClinVar variation 1480413 (VCV001480413.1), dbSNP rs372268267, ClinGen allele CA97583391.

ClinVar aggregate classification (germline): Uncertain significance (1 of 4 stars; one submission).

Allele frequency attached by ClinVar (database versions not stated): gnomAD exomes below 0.00001; TOPMed below 0.00001.

Submission:

Labcorp Genetics (formerly Invitae), Labcorp
Classification: Uncertain significance. Last evaluated: 2020-12-21. Review status: criteria provided, single submitter. Criteria: Invitae Variant Classification Sherloc (09022015). Collection method: clinical testing. Allele origin: germline.
Comment: This sequence change falls in intron 19 of the CEP135 gene. It does not directly change the encoded amino acid sequence of the CEP135 protein. It affects a nucleotide within the consensus splice site of the intron. This variant is not present in population databases (ExAC no frequency). This variant has not been reported in the literature in individuals with CEP135-related conditions. Nucleotide substitutions within the consensus splice site are a relatively common cause of aberrant splicing (PMID: 17576681, 9536098). Algorithms developed to predict the effect of sequence changes on RNA splicing suggest that this variant may disrupt the consensus splice site, but this prediction has not been confirmed by published transcriptional studies. In summary, the available evidence is currently insufficient to determine the role of this variant in disease. Therefore, it has been classified as a Variant of Uncertain Significance.

Literature cited by the submitters: PubMed 17576681; PubMed 9536098.